The following is an entry in ClinVar:

ClinVar aggregate classification (germline): Uncertain significance (1 of 4 stars; one submission).

Submission:

Labcorp Genetics (formerly Invitae), Labcorp
Classification: Uncertain significance. Last evaluated: 2022-09-29. Review status: criteria provided, single submitter. Criteria: Invitae Variant Classification Sherloc (09022015). Collection method: clinical testing. Allele origin: germline.
Comment: This sequence change replaces alanine, which is neutral and non-polar, with serine, which is neutral and polar, at codon 1774 of the DCHS1 protein (p.Ala1774Ser). This variant is not present in population databases (gnomAD no frequency). This variant has not been reported in the literature in individuals affected with DCHS1-related conditions. Algorithms developed to predict the effect of missense changes on protein structure and function (SIFT, PolyPhen-2, Align-GVGD) all suggest that this variant is likely to be disruptive. In summary, the available evidence is currently insufficient to determine the role of this variant in disease. Therefore, it has been classified as a Variant of Uncertain Significance.

NM_003737.4(DCHS1):c.5320G>T (p.Ala1774Ser)

Gene: DCHS1 (dachsous cadherin-related 1; minus strand). Cytogenetic location: 11p15.4.
Variant type: single nucleotide variant.
Coding change: c.5320G>T on transcript NM_003737.4 (MANE Select); coding-DNA position 5320, G replaced by T.
Protein change: p.Ala1774Ser; replaces alanine 1774 with serine.
Molecular consequence: missense variant.
Genome position (GRCh38, 1-based): chr11:6,628,672, C>A on the plus strand (G>T on the coding strand, the complement: DCHS1 is on the minus strand). VCF-style: chr11-6628672-C-A. GRCh37 (hg19) VCF-style: chr11-6649903-C-A.
Other names: short protein forms A1774S.
Identifiers: ClinVar variation 1720659 (VCV001720659.5), dbSNP rs2493821100, ClinGen allele CA379396366.
Genomic context (GRCh38, chr11:6,628,672, plus strand): 5'-GGTTCTCACCTAGGATGCGGTACTGCAACTGCCCATTGGCTCCCACATCTGGATCAGAGG[C>A]CCGAAGCATGGTAAGGGTCTGGGGGTCCTGGCCCTCAGGCACCTCCAGAGAGAGATGGGC-3'
Protein context (NP_003728.1, residues 1764-1784): QDPQTLTMLR[Ala1774Ser]SDPDVGANGQ